The following is an entry in ClinVar:

ClinVar aggregate classification (germline): Uncertain significance. Review status: criteria provided, multiple submitters, no conflicts (2 of 4 stars). 4 submissions from 4 submitters: Uncertain significance (4). Last evaluated 2026-01-12.

Conditions:
Age related macular degeneration 1 (ARMD1). Also called: MACULOPATHY, AGE-RELATED, 1. Identifiers: MedGen C1864205, MONDO:0011285, OMIM 603075.

Allele frequency attached by ClinVar (database versions not stated): ExAC 0.00006; gnomAD 0.00006 and 0.00007; gnomAD exomes 0.00007 and 0.00011; ESP Exome Variant Server 0.00008; TOPMed 0.00008; 1000 Genomes Project 30x 0.00031; 1000 Genomes Project 0.00040.
gnomAD v4.1: 167 of 1,610,526 alleles (0.01%); highest among the groups gnomAD compares: Non-Finnish European, 0.013%; no homozygotes.

Submissions (4):

Labcorp Genetics (formerly Invitae), Labcorp
Classification: Uncertain significance. Last evaluated: 2026-01-12. Review status: criteria provided, single submitter. Criteria: Invitae Variant Classification Sherloc (09022015). Collection method: clinical testing. Allele origin: germline.
Comment: This sequence change replaces arginine, which is basic and polar, with tryptophan, which is neutral and slightly polar, at codon 2443 of the HMCN1 protein (p.Arg2443Trp). This variant is present in population databases (rs376132541, gnomAD 0.01%). This variant has not been reported in the literature in individuals affected with HMCN1-related conditions. ClinVar contains an entry for this variant (Variation ID: 294185). An algorithm developed to predict the effect of missense changes on protein structure and function (PolyPhen-2) suggests that this variant is likely to be disruptive. Algorithms developed to predict the effect of sequence changes on RNA splicing suggest that this variant may disrupt the consensus splice site. In summary, the available evidence is currently insufficient to determine the role of this variant in disease. Therefore, it has been classified as a Variant of Uncertain Significance.

Ambry Genetics
Classification: Uncertain significance. Last evaluated: 2025-04-18. Review status: criteria provided, single submitter. Criteria: Ambry Variant Classification Scheme 2023. Collection method: clinical testing. Allele origin: germline.

Genome-Nilou Lab
Classification: Uncertain significance for Age related macular degeneration 1. Last evaluated: 2023-04-11. Review status: criteria provided, single submitter. Criteria: ACMG Guidelines, 2015. Collection method: clinical testing. Allele origin: germline. Affected: no.

Illumina Laboratory Services, Illumina
Classification: Uncertain significance for Age related macular degeneration 1. Last evaluated: 2018-01-13. Review status: criteria provided, single submitter. Criteria: ICSL Variant Classification Criteria 13 December 2019. Collection method: clinical testing. Allele origin: germline.

NM_031935.3(HMCN1):c.7327C>T (p.Arg2443Trp)

Gene: HMCN1 (hemicentin 1; plus strand). Cytogenetic location: 1q31.1.
Variant type: single nucleotide variant.
Coding change: c.7327C>T on transcript NM_031935.3 (MANE Select); coding-DNA position 7327, C replaced by T.
Protein change: p.Arg2443Trp; replaces arginine 2443 with tryptophan.
Molecular consequence: missense variant.
Genome position (GRCh38, 1-based): chr1:186,061,865, C>T. VCF-style: chr1-186061865-C-T. GRCh37 (hg19) VCF-style: chr1-186030997-C-T.
Other names: short protein forms R2443W.
Identifiers: ClinVar variation 294185 (VCV000294185.13), dbSNP rs376132541, ClinGen allele CA1292806.